The following is an entry in ClinVar:

NM_001080512.3(BICC1):c.826G>T (p.Ala276Ser)

Gene: BICC1 (BicC family RNA binding protein 1; plus strand). Cytogenetic location: 10q21.1.
Variant type: single nucleotide variant.
Coding change: c.826G>T on transcript NM_001080512.3 (MANE Select); coding-DNA position 826, G replaced by T.
Protein change: p.Ala276Ser; replaces alanine 276 with serine.
Molecular consequence: missense variant.
Genome position (GRCh38, 1-based): chr10:58,789,712, G>T. VCF-style: chr10-58789712-G-T. GRCh37 (hg19) VCF-style: chr10-60549472-G-T.
Other names: c.826G>T (NM_001080512.1); short protein forms A276S.
Identifiers: ClinVar variation 2145086 (VCV002145086.6), dbSNP rs746252530, ClinGen allele CA5508346.
Genomic context (GRCh38, chr10:58,789,712, plus strand): 5'-GATTATTTCTTTCCCACCCTTTTCTCTTAGGAAGGAACTGCCATGCTGTTAGAACATCTT[G>T]CTGGGAGCTTAGCATCAGCTATTCCTGTGAGCACACAACTAGATATTGCAGCTCAACATC-3'
Protein context (NP_001073981.1, residues 266-286): EGTAMLLEHL[Ala276Ser]GSLASAIPVS

ClinVar aggregate classification (germline): Uncertain significance. Review status: criteria provided, multiple submitters, no conflicts (2 of 4 stars). 3 submissions from 3 submitters: Uncertain significance (3). Last evaluated 2025-09-03.

Conditions:
Renal dysplasia, cystic, susceptibility to. Identifiers: MedGen C3275898, MONDO:0011037, OMIM 601331.

Allele frequency attached by ClinVar (database versions not stated): ExAC 0.00001; gnomAD 0.00004; TOPMed 0.00005.
gnomAD v4.1: 21 of 1,613,980 alleles (0.0013%); highest among the groups gnomAD compares: Admixed American, 0.0017%; no homozygotes.

Submissions (3):

Labcorp Genetics (formerly Invitae), Labcorp
Classification: Uncertain significance. Last evaluated: 2025-09-03. Review status: criteria provided, single submitter. Criteria: Invitae Variant Classification Sherloc (09022015). Collection method: clinical testing. Allele origin: germline.
Comment: This sequence change replaces alanine, which is neutral and non-polar, with serine, which is neutral and polar, at codon 276 of the BICC1 protein (p.Ala276Ser). This variant is present in population databases (rs746252530, gnomAD 0.008%). This variant has not been reported in the literature in individuals affected with BICC1-related conditions. ClinVar contains an entry for this variant (Variation ID: 2145086). An algorithm developed to predict the effect of missense changes on protein structure and function (PolyPhen-2) suggests that this variant is likely to be tolerated. In summary, the available evidence is currently insufficient to determine the role of this variant in disease. Therefore, it has been classified as a Variant of Uncertain Significance.

Ambry Genetics
Classification: Uncertain significance. Last evaluated: 2024-06-19. Review status: criteria provided, single submitter. Criteria: Ambry Variant Classification Scheme 2023. Collection method: clinical testing. Allele origin: germline.

Fulgent Genetics
Classification: Uncertain significance for Renal dysplasia, cystic, susceptibility to. Last evaluated: 2024-04-22. Review status: criteria provided, single submitter. Criteria: ACMG Guidelines, 2015. Collection method: clinical testing. Allele origin: germline.